The following is an entry in ClinVar:

ClinVar aggregate classification (germline): Uncertain significance (1 of 4 stars; one submission).

Allele frequency attached by ClinVar (database versions not stated): gnomAD exomes below 0.00001; gnomAD 0.00001; TOPMed 0.00001; ExAC 0.00001.
gnomAD v4.1: 9 of 1,608,542 alleles (0.00056%); highest among the groups gnomAD compares: East Asian, 0.0022%; no homozygotes.

Submission:

Labcorp Genetics (formerly Invitae), Labcorp
Classification: Uncertain significance. Last evaluated: 2025-11-06. Review status: criteria provided, single submitter. Criteria: Invitae Variant Classification Sherloc (09022015). Collection method: clinical testing. Allele origin: germline.
Comment: This sequence change replaces alanine, which is neutral and non-polar, with threonine, which is neutral and polar, at codon 318 of the GATA5 protein (p.Ala318Thr). This variant is present in population databases (rs782102885, gnomAD 0.01%). This variant has not been reported in the literature in individuals affected with GATA5-related conditions. ClinVar contains an entry for this variant (Variation ID: 3016522). Invitae Evidence Modeling of protein sequence and biophysical properties (such as structural, functional, and spatial information, amino acid conservation, physicochemical variation, residue mobility, and thermodynamic stability) indicates that this missense variant is not expected to disrupt GATA5 protein function with a negative predictive value of 80%. In summary, the available evidence is currently insufficient to determine the role of this variant in disease. Therefore, it has been classified as a Variant of Uncertain Significance.

NM_080473.5(GATA5):c.952G>A (p.Ala318Thr)

Gene: GATA5 (GATA binding protein 5; minus strand). Cytogenetic location: 20q13.33.
Variant type: single nucleotide variant.
Coding change: c.952G>A on transcript NM_080473.5 (MANE Select); coding-DNA position 952, G replaced by A.
Protein change: p.Ala318Thr; replaces alanine 318 with threonine.
Molecular consequence: missense variant.
Genome position (GRCh38, 1-based): chr20:62,465,426, C>T on the plus strand (G>A on the coding strand, the complement: GATA5 is on the minus strand). VCF-style: chr20-62465426-C-T. GRCh37 (hg19) VCF-style: chr20-61040482-C-T.
Other names: short protein forms A318T.
Identifiers: ClinVar variation 3016522 (VCV003016522.3), dbSNP rs782102885, ClinGen allele CA9946110.
Genomic context (GRCh38, chr20:62,465,426, plus strand): 5'-ACACTGGGGACGCCAGGCTGGGCTTGGCTTTCGAAGTGGCTGCTGAGCTGTCAGTGCTGG[C>T]GACAGCAGATGGGGAGGCCGAGGCATTCCTTGTGGATCCTGGAAGCGAAGAGGGGGTGTT-3'
Protein context (NP_536721.1, residues 308-328): RNASASPSAV[Ala318Thr]STDSSAATSK